The following is an entry in ClinVar:

ClinVar aggregate classification (germline): Benign/Likely benign. Review status: criteria provided, multiple submitters, no conflicts (2 of 4 stars). 10 submissions from 10 submitters: Benign (8); Likely benign (1). 1 of the submissions does not count toward it. Last evaluated 2026-01-21.

Conditions:
Familial cold autoinflammatory syndrome 2 (FCAS2). Identifiers: Orphanet 247868, MedGen C2673198, MONDO:0012724, OMIM 611762.

Allele frequency attached by ClinVar (database versions not stated): 1000 Genomes Project 30x 0.41693; 1000 Genomes Project 0.42113; TOPMed 0.44018; ESP Exome Variant Server 0.44841; gnomAD 0.44990 and 0.45268; gnomAD exomes 0.54069.
gnomAD v4.1: 857,497 of 1,612,406 alleles (53%); highest among the groups gnomAD compares: East Asian, 58%; 233,377 homozygotes.

Submissions (10):

Women's Health and Genetics/Laboratory Corporation of America, LabCorp
Classification: Benign. Last evaluated: 2026-01-21. Review status: criteria provided, single submitter. Criteria: LabCorp Variant Classification Summary - May 2015. Collection method: clinical testing. Allele origin: germline.

ARUP Laboratories, Molecular Genetics and Genomics, ARUP Laboratories
Classification: Benign for Familial cold autoinflammatory syndrome 2. Last evaluated: 2025-07-30. Review status: criteria provided, single submitter. Criteria: ARUP Molecular Germline Variant Investigation Process 2024. Collection method: clinical testing. Allele origin: germline.

Blueprint Genetics
Classification: Likely benign. Last evaluated: 2024-11-28. Review status: criteria provided, single submitter. Criteria: ACMG Guidelines, 2015. Collection method: clinical testing. Allele origin: germline.

Unidad de Genómica Garrahan, Hospital de Pediatría Garrahan
Classification: Benign. Last evaluated: 2023-11-12. Review status: criteria provided, single submitter. Criteria: ACMG Guidelines, 2015. Collection method: clinical testing. Allele origin: germline. Affected: no. Observed: 70 variant alleles.
Comment: This variant is classified as Benign based on local population frequency. This variant was detected in 73% of patients studied by a panel of primary immunodeficiencies. Number of patients: 70. Only high quality variants are reported.

Genome-Nilou Lab
Classification: Benign for Familial cold autoinflammatory syndrome 2. Last evaluated: 2021-09-05. Review status: criteria provided, single submitter. Criteria: ACMG Guidelines, 2015. Collection method: clinical testing. Allele origin: germline. Affected: no.

Laboratory for Molecular Medicine, Mass General Brigham Personalized Medicine
Classification: Benign. Last evaluated: 2016-03-29. Review status: criteria provided, single submitter. Criteria: LMM Criteria. Collection method: clinical testing. Allele origin: germline.
Comment: Variant identified in a genome or exome case(s) and assessed due to predicted null impact of the variant or pathogenic assertions in the literature or databases. Disclaimer: This variant has not undergone full assessment. The following are preliminary notes: Frequency

Genome Diagnostics Laboratory, University Medical Center Utrecht
Classification: Benign for Familial cold autoinflammatory syndrome 2. Last evaluated: 2014-10-09. Review status: criteria provided, single submitter. Criteria: ACGS Guidelines, 2013. Collection method: clinical testing. Allele origin: germline. Affected: yes. Study: VKGL Data-share Consensus.

Breakthrough Genomics
Classification: Benign. Review status: criteria provided, single submitter. Criteria: ACMG Guidelines, 2015. Collection method: not provided. Allele origin: germline. Inheritance: Autosomal dominant inheritance. Affected: yes.

PreventionGenetics, part of Exact Sciences
Classification: Benign. Review status: criteria provided, single submitter. Criteria: ACMG Guidelines, 2015. Collection method: clinical testing. Allele origin: germline.

Diagnostic Laboratory, Department of Genetics, University Medical Center Groningen
Classification: Benign for Familial cold autoinflammatory syndrome 2. Review status: no assertion criteria provided. Collection method: clinical testing. Allele origin: germline. Affected: yes. Study: VKGL Data-share Consensus. Not counted in ClinVar's aggregate classification.

NM_144687.4(NLRP12):c.-12C>T

Gene: NLRP12 (NLR family pyrin domain containing 12; minus strand). Cytogenetic location: 19q13.42.
Variant type: single nucleotide variant.
Coding change: c.-12C>T on transcript NM_144687.4 (MANE Select); 12 bases upstream of the start codon, C replaced by T.
Molecular consequence: 5 prime UTR variant.
Genome position (GRCh38, 1-based): chr19:53,824,186, G>A on the plus strand (C>T on the coding strand, the complement: NLRP12 is on the minus strand). VCF-style: chr19-53824186-G-A. GRCh37 (hg19) VCF-style: chr19-54327440-G-A.
Other names: c.-12C>T (NM_001277126.2, NM_001277129.1).
Identifiers: ClinVar variation 262527 (VCV000262527.30), dbSNP rs4539722, ClinGen allele CA9639871.